The following is an entry in ClinVar:

NM_000264.5(PTCH1):c.2770A>T (p.Thr924Ser)

Gene: PTCH1 (patched 1; minus strand). Cytogenetic location: 9q22.32.
Variant type: single nucleotide variant.
Coding change: c.2770A>T on transcript NM_000264.5 (MANE Select); coding-DNA position 2770, A replaced by T.
Protein change: p.Thr924Ser; replaces threonine 924 with serine.
Molecular consequence: missense variant. On other transcripts: non-coding transcript variant (1).
Genome position (GRCh38, 1-based): chr9:95,459,717, T>A on the plus strand (A>T on the coding strand, the complement: PTCH1 is on the minus strand). VCF-style: chr9-95459717-T-A. GRCh37 (hg19) VCF-style: chr9-98221999-T-A.
Other names: c.2572A>T, p.Thr858Ser (NM_001083602.3); c.2767A>T, p.Thr923Ser (NM_001083603.3); c.2317A>T, p.Thr773Ser (NM_001083604.3, NM_001083605.3, NM_001083606.3 and 1 more transcripts); c.2614A>T, p.Thr872Ser (NM_001354918.2); short protein forms T924S, T858S, T872S, T773S, T923S.
Identifiers: ClinVar variation 2698334 (VCV002698334.3), dbSNP rs2136672201, ClinGen allele CA374113116.
Genomic context (GRCh38, chr9:95,459,717, plus strand): 5'-GTGGCCGGATGTTGGCCTGGGAGGCAGCATACGCGACGGGGTCGTTGCTGACCCAAGCCG[T>A]CAGGTAGATGTAGAAAGCGCTGGGATTAATGATGCCATCTGCATCCACCAGACGCTGTTT-3'
Protein context (NP_000255.2, residues 914-934): INPSAFYIYL[Thr924Ser]AWVSNDPVAY

ClinVar aggregate classification (germline): Uncertain significance (1 of 4 stars; one submission).

Conditions:
Gorlin syndrome. Also called: Nevoid Basal Cell Carcinoma Syndrome; Basal cell nevus syndrome. Identifiers: Orphanet 377, MedGen C0004779, MONDO:0007187.

Allele frequency attached by ClinVar (database versions not stated): gnomAD exomes below 0.00001.
gnomAD v4.1: 1 of 1,614,162 alleles (0.000062%); highest among the groups gnomAD compares: Non-Finnish European, 0.000085%; no homozygotes.

Submission:

Labcorp Genetics (formerly Invitae), Labcorp
Classification: Uncertain significance for Gorlin syndrome. Last evaluated: 2023-11-24. Review status: criteria provided, single submitter. Criteria: Invitae Variant Classification Sherloc (09022015). Collection method: clinical testing. Allele origin: germline.
Comment: This sequence change replaces threonine, which is neutral and polar, with serine, which is neutral and polar, at codon 924 of the PTCH1 protein (p.Thr924Ser). This variant is not present in population databases (gnomAD no frequency). This variant has not been reported in the literature in individuals affected with PTCH1-related conditions. Advanced modeling of protein sequence and biophysical properties (such as structural, functional, and spatial information, amino acid conservation, physicochemical variation, residue mobility, and thermodynamic stability) performed at Invitae indicates that this missense variant is not expected to disrupt PTCH1 protein function with a negative predictive value of 95%. In summary, the available evidence is currently insufficient to determine the role of this variant in disease. Therefore, it has been classified as a Variant of Uncertain Significance.